The following is an entry in ClinVar:

NM_001372106.1(DNAH10):c.11800G>T (p.Val3934Phe)

Gene: DNAH10 (dynein axonemal heavy chain 10; plus strand). Cytogenetic location: 12q24.31.
Variant type: single nucleotide variant.
Coding change: c.11800G>T on transcript NM_001372106.1 (MANE Select); coding-DNA position 11800, G replaced by T.
Protein change: p.Val3934Phe; replaces valine 3934 with phenylalanine.
Molecular consequence: missense variant.
Genome position (GRCh38, 1-based): chr12:123,925,083, G>T. VCF-style: chr12-123925083-G-T. GRCh37 (hg19) VCF-style: chr12-124409630-G-T.
Other names: c.11446G>T, p.Val3816Phe (NM_207437.3); short protein forms V3816F, V3934F.
Identifiers: ClinVar variation 3347651 (VCV003347651.1).

ClinVar aggregate classification (germline): Benign (0 of 4 stars; one submission).

Conditions:
DNAH10-related disorder. Also called: DNAH10-related condition.

gnomAD v4.1: 21,616 of 1,613,890 alleles (1.3%); highest among the groups gnomAD compares: African/African-American, 19%; 1,517 homozygotes.

Submission:

PreventionGenetics, part of Exact Sciences
Classification: Benign for DNAH10-related condition. Last evaluated: 2024-05-15. Review status: no assertion criteria provided. Collection method: clinical testing. Allele origin: germline.
Comment: This variant is classified as benign based on ACMG/AMP sequence variant interpretation guidelines (Richards et al. 2015 PMID: 25741868, with internal and published modifications).